The following is an entry in ClinVar:

NM_153717.3(EVC):c.2782+103C>T

Gene: EVC (EvC ciliary complex subunit 1; plus strand). Cytogenetic location: 4p16.2.
Variant type: single nucleotide variant.
Coding change: c.2782+103C>T on transcript NM_153717.3 (MANE Select); 103 bases into the intron after coding-DNA position 2782, C replaced by T.
Molecular consequence: intron variant.
Genome position (GRCh38, 1-based): chr4:5,809,714, C>T. VCF-style: chr4-5809714-C-T. GRCh37 (hg19) VCF-style: chr4-5811441-C-T.
Other names: c.2782+103C>T (NM_001306090.2).
Identifiers: ClinVar variation 675154 (VCV000675154.2), dbSNP rs3733185, ClinGen allele CA11677372.
Genomic context (GRCh38, chr4:5,809,714, plus strand): 5'-CTGAGAGATACGGATTCTAGTTCCACACTGGCCACTAACTAGCTGTGTGACCTTAGGCAT[C>T]GTGCCTAGGCTCTCTGGGCTTTTGTGACCTTGTCTGTAAATGAGCAGGCTTGGCTAGGCC-3'

ClinVar aggregate classification (germline): Benign. Review status: criteria provided, multiple submitters, no conflicts (2 of 4 stars). 2 submissions from 2 submitters: Benign (2). Last evaluated 2018-06-14.

Allele frequency attached by ClinVar (database versions not stated): 1000 Genomes Project 0.08826; 1000 Genomes Project 30x 0.08885; TOPMed 0.12729.
gnomAD v4.1: 146,252 of 1,062,042 alleles (14%); highest among the groups gnomAD compares: Non-Finnish European, 16%; 10,783 homozygotes.

Submissions (2):

GeneDx
Classification: Benign. Last evaluated: 2018-06-14. Review status: criteria provided, single submitter. Criteria: GeneDx Variant Classification (06012015). Collection method: clinical testing. Allele origin: germline. Affected: yes.
Comment: This variant is considered likely benign or benign based on one or more of the following criteria: it is a conservative change, it occurs at a poorly conserved position in the protein, it is predicted to be benign by multiple in silico algorithms, and/or has population frequency not consistent with disease.

Breakthrough Genomics
Classification: Benign. Review status: criteria provided, single submitter. Criteria: ACMG Guidelines, 2015. Collection method: not provided. Allele origin: germline. Inheritance: Autosomal recessive inheritance. Affected: yes.